The following is an entry in ClinVar:

ClinVar aggregate classification (germline): Uncertain significance (1 of 4 stars; one submission).

Conditions:
Charcot-Marie-Tooth disease recessive intermediate C. Also called: CHARCOT-MARIE-TOOTH NEUROPATHY, RECESSIVE INTERMEDIATE C. Identifiers: Orphanet 369867, MedGen C3809309, MONDO:0014154, OMIM 615376.
Neuronopathy, distal hereditary motor, autosomal recessive 4. Also called: NEUROPATHY, DISTAL HEREDITARY MOTOR, AUTOSOMAL RECESSIVE 4; Autosomal recessive lower motor neuron disease with childhood onset. Identifiers: Orphanet 206580, MedGen C1970211, MONDO:0012608, OMIM 611067.

Submission:

Labcorp Genetics (formerly Invitae), Labcorp
Classification: Uncertain significance for Neuronopathy, distal hereditary motor, autosomal recessive 4; Charcot-Marie-Tooth disease recessive intermediate C. Last evaluated: 2020-10-27. Review status: criteria provided, single submitter. Criteria: Invitae Variant Classification Sherloc (09022015). Collection method: clinical testing. Allele origin: germline.
Comment: This sequence change replaces isoleucine with methionine at codon 387 of the PLEKHG5 protein (p.Ile387Met). The isoleucine residue is moderately conserved and there is a small physicochemical difference between isoleucine and methionine. In summary, the available evidence is currently insufficient to determine the role of this variant in disease. Therefore, it has been classified as a Variant of Uncertain Significance. Algorithms developed to predict the effect of missense changes on protein structure and function are either unavailable or do not agree on the potential impact of this missense change (SIFT: "Deleterious"; PolyPhen-2: "Possibly Damaging"; Align-GVGD: "Class C0"). This variant has not been reported in the literature in individuals with PLEKHG5-related conditions. This variant is not present in population databases (ExAC no frequency).

NM_020631.6(PLEKHG5):c.1161C>G (p.Ile387Met)

Gene: PLEKHG5 (pleckstrin homology and RhoGEF domain containing G5; minus strand). Cytogenetic location: 1p36.31.
Variant type: single nucleotide variant.
Coding change: c.1161C>G on transcript NM_020631.6 (MANE Select); coding-DNA position 1161, C replaced by G.
Protein change: p.Ile387Met; replaces isoleucine 387 with methionine.
Molecular consequence: missense variant.
Genome position (GRCh38, 1-based): chr1:6,471,608, G>C on the plus strand (C>G on the coding strand, the complement: PLEKHG5 is on the minus strand). VCF-style: chr1-6471608-G-C. GRCh37 (hg19) VCF-style: chr1-6531668-G-C.
Other names: c.1272C>G, p.Ile424Met (NM_001042663.3, NM_001265592.2); c.1161C>G, p.Ile387Met (NM_001042664.2, NM_001265594.3, NM_001042665.2 and 1 more transcripts); c.1368C>G, p.Ile456Met (NM_001265593.2); short protein forms I387M, I424M, I456M.
Identifiers: ClinVar variation 1021931 (VCV001021931.9), dbSNP rs1644590923, ClinGen allele CA338130152.